The following is an entry in ClinVar:

ClinVar aggregate classification (germline): Uncertain significance (1 of 4 stars; one submission).

Conditions:
Idiopathic generalized epilepsy. Also called: EIG; Generalised epilepsy. Identifiers: MedGen C0270850, MONDO:0005579, OMIM 600669.

Submission:

Labcorp Genetics (formerly Invitae), Labcorp
Classification: Uncertain significance for Idiopathic generalized epilepsy. Last evaluated: 2024-08-29. Review status: criteria provided, single submitter. Criteria: Invitae Variant Classification Sherloc (09022015). Collection method: clinical testing. Allele origin: germline.
Comment: This variant, c.692_697del, results in the deletion of 2 amino acid(s) of the RBFOX3 protein (p.Gly231_Arg232del), but otherwise preserves the integrity of the reading frame. This variant is not present in population databases (gnomAD no frequency). This variant has not been reported in the literature in individuals affected with RBFOX3-related conditions. Experimental studies and prediction algorithms are not available or were not evaluated, and the functional significance of this variant is currently unknown. In summary, the available evidence is currently insufficient to determine the role of this variant in disease. Therefore, it has been classified as a Variant of Uncertain Significance.

NM_001350451.2(RBFOX3):c.686GCCGGG[1] (p.229GR[1])

Gene: RBFOX3 (RNA binding fox-1 homolog 3; minus strand). Cytogenetic location: 17q25.3.
Variant type: Microsatellite.
Coding change: c.686GCCGGG[1] on transcript NM_001350451.2 (MANE Select); one copy of the 6-base unit GCCGGG starting at c.686; the reference has two copies in a row; one copy, 6 bases deleted.
Protein change: p.229GR[1].
Molecular consequence: inframe deletion.
Genome position (GRCh38, 1-based): chr17:79,097,350-79,097,355, CCCGGC deleted on the plus strand (GCCGGG on the coding strand, the reverse complement: RBFOX3 is on the minus strand); deleting any 6 consecutive bases within chr17:79,097,350-79,097,365 gives the same sequence; the position shown is the placement nearest the transcript's 3' end. VCF-style (leftmost placement, unchanged base first): chr17-79097349-GCCCGGC-G. GRCh37 (hg19) VCF-style: chr17-77093431-GCCCGGC-G.
Other names: c.686GCCGGG[1], p.229GR[1] (NM_001082575.3, NM_001350453.2, NM_001385804.1 and 33 more transcripts); c.683GCCGGG[1], p.228GR[1] (NM_001385806.1, NM_001385822.1, NM_001385823.1 and 4 more transcripts); c.593GCCGGG[1], p.198GR[1] (NM_001385824.1); c.707GCCGGG[1], p.236GR[1] (NM_001385827.1); c.539GCCGGG[1], p.180GR[1] (NM_001385847.1).
Identifiers: ClinVar variation 3629258 (VCV003629258.2).